The following is an entry in ClinVar:

NM_004320.6(ATP2A1):c.422A>G (p.Lys141Arg)

Gene: ATP2A1 (ATPase sarcoplasmic/endoplasmic reticulum Ca2+ transporting 1; plus strand). Cytogenetic location: 16p11.2.
Variant type: single nucleotide variant.
Coding change: c.422A>G on transcript NM_004320.6 (MANE Select); coding-DNA position 422, A replaced by G.
Protein change: p.Lys141Arg; replaces lysine 141 with arginine.
Molecular consequence: missense variant.
Genome position (GRCh38, 1-based): chr16:28,882,548, A>G. VCF-style: chr16-28882548-A-G. GRCh37 (hg19) VCF-style: chr16-28893869-A-G.
Other names: c.47A>G, p.Lys16Arg (NM_001286075.2); c.422A>G, p.Lys141Arg (NM_173201.5); short protein forms K141R, K16R.
Identifiers: ClinVar variation 392803 (VCV000392803.8), dbSNP rs1057524640, ClinGen allele CA16607013.
Genomic context (GRCh38, chr16:28,882,548, plus strand): 5'-AGTATGAGCCAGAGATGGGGAAGGTCTACCGGGCTGACCGCAAGTCAGTGCAAAGGATCA[A>G]GGCTCGGGACATCGTCCCTGGGGACATCGTGGAGGTGGCTGGTGAGTGACAGGGACGGCT-3'
Protein context (NP_004311.1, residues 131-151): RADRKSVQRI[Lys141Arg]ARDIVPGDIV

ClinVar aggregate classification (germline): Uncertain significance. Review status: criteria provided, multiple submitters, no conflicts (2 of 4 stars). 3 submissions from 3 submitters: Uncertain significance (3). Last evaluated 2025-04-12.

Conditions:
Inborn genetic diseases. Identifiers: MedGen C0950123, MeSH D030342.
Brody myopathy. Also called: BRODY DISEASE. Identifiers: Orphanet 53347, MedGen C1832918, MONDO:0010977, OMIM 601003.

Allele frequency attached by ClinVar (database versions not stated): gnomAD exomes below 0.00001; TOPMed 0.00001.
gnomAD v4.1: 6 of 1,614,234 alleles (0.00037%); highest among the groups gnomAD compares: Non-Finnish European, 0.00051%; no homozygotes.

Submissions (3):

Ambry Genetics
Classification: Uncertain significance for Inborn genetic diseases. Last evaluated: 2025-04-12. Review status: criteria provided, single submitter. Criteria: Ambry Variant Classification Scheme 2023. Collection method: clinical testing. Allele origin: germline.

Labcorp Genetics (formerly Invitae), Labcorp
Classification: Uncertain significance for Brody myopathy. Last evaluated: 2022-06-27. Review status: criteria provided, single submitter. Criteria: Invitae Variant Classification Sherloc (09022015). Collection method: clinical testing. Allele origin: germline.
Comment: This sequence change replaces lysine, which is basic and polar, with arginine, which is basic and polar, at codon 141 of the ATP2A1 protein (p.Lys141Arg). This variant is not present in population databases (gnomAD no frequency). This variant has not been reported in the literature in individuals affected with ATP2A1-related conditions. ClinVar contains an entry for this variant (Variation ID: 392803). Algorithms developed to predict the effect of missense changes on protein structure and function (SIFT, PolyPhen-2, Align-GVGD) all suggest that this variant is likely to be tolerated. In summary, the available evidence is currently insufficient to determine the role of this variant in disease. Therefore, it has been classified as a Variant of Uncertain Significance.

GeneDx
Classification: Uncertain significance. Last evaluated: 2017-01-10. Review status: criteria provided, single submitter. Criteria: GeneDx Variant Classification (06012015). Collection method: clinical testing. Allele origin: germline. Affected: yes.
Comment: A variant of uncertain significance has been identified in the ATP2A1 gene. The K141R variant has not been published as a pathogenic variant, nor has it been reported as a benign variant to our knowledge. The K141R variant is not observed in large population cohorts (Lek et al., 2016; 1000 Genomes Consortium et al., 2015; Exome Variant Server). This substitution occurs at a position that is conserved across species. However, the K141R variant is a conservative amino acid substitution, which is not likely to impact secondary protein structure as these residues share similar properties and in silico analysis is inconsistent in its predictions as to whether or not the variant is damaging to the protein structure/function. Therefore, based on the currently available information, it is unclear whether this variant is a pathogenic variant or a rare benign variant.